The following is an entry in ClinVar:

NM_006852.6(TLK2):c.1811A>G (p.Asn604Ser)

Gene: TLK2 (tousled like kinase 2; plus strand). Cytogenetic location: 17q23.2.
Variant type: single nucleotide variant.
Coding change: c.1811A>G on transcript NM_006852.6 (MANE Select); coding-DNA position 1811, A replaced by G.
Protein change: p.Asn604Ser; replaces asparagine 604 with serine.
Molecular consequence: missense variant.
Genome position (GRCh38, 1-based): chr17:62,602,132, A>G. VCF-style: chr17-62602132-A-G. GRCh37 (hg19) VCF-style: chr17-60679493-A-G.
Other names: c.1877A>G, p.Asn626Ser (NM_001284333.3); c.1715A>G, p.Asn572Ser (NM_001284363.1, NM_001375272.1); c.1364A>G, p.Asn455Ser (NM_001330418.3, NM_001375273.1); c.1853A>G, p.Asn618Ser (NM_001375269.1); c.1811A>G, p.Asn604Ser (NM_001375270.1, NM_001375271.1); c.1526A>G, p.Asn509Ser (NM_001411074.1); short protein forms N455S, N509S, N572S, N604S, N618S, N626S.
Identifiers: ClinVar variation 2498717 (VCV002498717.28), dbSNP rs2546025883, ClinGen allele CA400512541.

ClinVar aggregate classification (germline): Uncertain significance (1 of 4 stars; one submission).

Allele frequency attached by ClinVar (database versions not stated): gnomAD exomes below 0.00001.
gnomAD v4.1: 3 of 1,613,846 alleles (0.00019%); highest among the groups gnomAD compares: Non-Finnish European, 0.00025%; no homozygotes.

Submission:

CeGaT Center for Human Genetics Tuebingen
Classification: Uncertain significance. Last evaluated: 2023-02-01. Review status: criteria provided, single submitter. Criteria: CeGaT Center For Human Genetics Tuebingen Variant Classification Criteria Version 2. Collection method: clinical testing. Allele origin: germline. Affected: yes. Observed: 1 variant allele.
Comment: TLK2: PM1, PM2, PP2